The following is an entry in ClinVar:

ClinVar aggregate classification (germline): Uncertain significance. Review status: criteria provided, multiple submitters, no conflicts (2 of 4 stars). 2 submissions from 2 submitters: Uncertain significance (2). Last evaluated 2022-05-25.

Allele frequency attached by ClinVar (database versions not stated): gnomAD exomes 0.00001; gnomAD 0.00002 and 0.00003; TOPMed 0.00002.
gnomAD v4.1: 24 of 1,613,894 alleles (0.0015%); highest among the groups gnomAD compares: Admixed American, 0.0033%; no homozygotes.

Submissions (2):

Labcorp Genetics (formerly Invitae), Labcorp
Classification: Uncertain significance. Last evaluated: 2022-05-25. Review status: criteria provided, single submitter. Criteria: Invitae Variant Classification Sherloc (09022015). Collection method: clinical testing. Allele origin: germline.
Comment: This sequence change replaces arginine, which is basic and polar, with glutamine, which is neutral and polar, at codon 101 of the DGUOK protein (p.Arg101Gln). This variant is present in population databases (no rsID available, gnomAD 0.003%). This variant has not been reported in the literature in individuals affected with DGUOK-related conditions. ClinVar contains an entry for this variant (Variation ID: 498742). Algorithms developed to predict the effect of missense changes on protein structure and function output the following: SIFT: "Tolerated"; PolyPhen-2: "Benign"; Align-GVGD: "Class C0". The glutamine amino acid residue is found in multiple mammalian species, which suggests that this missense change does not adversely affect protein function. In summary, the available evidence is currently insufficient to determine the role of this variant in disease. Therefore, it has been classified as a Variant of Uncertain Significance.

Eurofins Ntd Llc (ga)
Classification: Uncertain significance. Last evaluated: 2016-11-18. Review status: criteria provided, single submitter. Criteria: EGL Classification Definitions 2015. Collection method: clinical testing. Allele origin: germline. Observed: 1 variant allele, 1 heterozygote.

NM_080916.3(DGUOK):c.302G>A (p.Arg101Gln)

Gene: DGUOK (deoxyguanosine kinase; plus strand). Cytogenetic location: 2p13.1.
Variant type: single nucleotide variant.
Coding change: c.302G>A on transcript NM_080916.3 (MANE Select); coding-DNA position 302, G replaced by A.
Protein change: p.Arg101Gln; replaces arginine 101 with glutamine.
Molecular consequence: missense variant. On other transcripts: non-coding transcript variant (5).
Genome position (GRCh38, 1-based): chr2:73,946,765, G>A. VCF-style: chr2-73946765-G-A. GRCh37 (hg19) VCF-style: chr2-74173892-G-A.
Other names: c.302G>A, p.Arg101Gln (NM_001318859.2, NM_080918.3); c.11G>A, p.Arg4Gln (NM_001318860.2, NM_001318861.2, NM_001318862.2 and 1 more transcripts); short protein forms R101Q, R4Q.
Identifiers: ClinVar variation 498742 (VCV000498742.6), dbSNP rs1250828551, ClinGen allele CA347298922.